The following is an entry in ClinVar:

ClinVar aggregate classification (germline): Uncertain significance (1 of 4 stars; one submission).

Conditions:
Hereditary cancer-predisposing syndrome. Also called: Tumor predisposition; Hereditary Cancer Syndrome; Hereditary neoplastic syndrome; Neoplastic Syndromes, Hereditary. Identifiers: Orphanet 140162, MedGen C0027672, MeSH D009386, MONDO:0015356.

Submission:

Ambry Genetics
Classification: Uncertain significance for Hereditary cancer-predisposing syndrome. Last evaluated: 2024-05-03. Review status: criteria provided, single submitter. Criteria: Ambry Variant Classification Scheme 2023. Collection method: clinical testing. Allele origin: germline.
Comment: The p.R974W variant (also known as c.2920A>T), located in coding exon 4 of the MSH6 gene, results from an A to T substitution at nucleotide position 2920. The arginine at codon 974 is replaced by tryptophan, an amino acid with dissimilar properties. This amino acid position is not well conserved in available vertebrate species. In addition, the in silico prediction for this alteration is inconclusive. Based on the available evidence, the clinical significance of this variant remains unclear.

NM_000179.3(MSH6):c.2920A>T (p.Arg974Trp)

Gene: MSH6 (mutS homolog 6; plus strand). Cytogenetic location: 2p16.3.
Variant type: single nucleotide variant.
Coding change: c.2920A>T on transcript NM_000179.3 (MANE Select); coding-DNA position 2920, A replaced by T.
Protein change: p.Arg974Trp; replaces arginine 974 with tryptophan.
Molecular consequence: missense variant. On other transcripts: non-coding transcript variant (5), intron variant (2).
Genome position (GRCh38, 1-based): chr2:47,800,903, A>T. VCF-style: chr2-47800903-A-T. GRCh37 (hg19) VCF-style: chr2-48028042-A-T.
Other names: c.2530A>T, p.Arg844Trp (NM_001281492.2); c.2014A>T, p.Arg672Trp (NM_001281493.2, NM_001281494.2, NM_001406811.1 and 6 more transcripts); c.3016A>T, p.Arg1006Trp (NM_001406795.1, NM_001406802.1); c.2920A>T, p.Arg974Trp (NM_001406796.1, NM_001406800.1, NM_001406798.1 and 2 more transcripts); c.2623A>T, p.Arg875Trp (NM_001406797.1, NM_001406801.1, NM_001406805.1 and 10 more transcripts); c.2395A>T, p.Arg799Trp (NM_001406799.1, NM_001406806.1, NM_001406807.1); c.2842A>T, p.Arg948Trp (NM_001406804.1); c.2752A>T, p.Arg918Trp (NM_001406826.1); and 4 more; short protein forms R672W, R948W, R974W, R1006W, R875W, R918W, R799W, R844W.
Identifiers: ClinVar variation 3296382 (VCV003296382.1).